The following is an entry in ClinVar:

ClinVar aggregate classification (germline): Likely benign (1 of 4 stars; one submission).

Conditions:
MELAS syndrome (MELAS). Also called: Juvenile myopathy, encephalopathy, lactic acidosis, stroke. Identifiers: Orphanet 550, MedGen C0162671, MONDO:0010789, OMIM 540000.

Submission:

Wong Mito Lab, Molecular and Human Genetics, Baylor College of Medicine
Classification: Likely benign for MELAS syndrome. Last evaluated: 2019-07-12. Review status: criteria provided, single submitter. Criteria: Modified ACMG Guidelines (Unpublished). Collection method: clinical testing. Allele origin: germline.
Comment: The NC_012920.1:m.10040C>T variant in MT-TG gene is interpreted to be a Likely Benign variant based on the modified ACMG guidelines (unpublished). This variant meets the following evidence codes reported in the guidelines: BP4, BP6

Literature cited by the submitters: PubMed 31965079.

NC_012920.1(MT-TG):m.10040C>T

Gene: MT-TG (mitochondrially encoded tRNA glycine; plus strand).
Variant type: single nucleotide variant.
Genome position: chrM-10040-C-T.
Identifiers: ClinVar variation 690105 (VCV000690105.1), dbSNP rs1603222642, ClinGen allele CA913161643.
Genomic context (GRCh38, chrMT:10,040, plus strand): 5'-ATGAGGGTCTTACTCTTTTAGTATAAATAGTACCGTTAACTTCCAATTAACTAGTTTTGA[C>T]AACATTCAAAAAAGAGTAATAAACTTCGCCTTAATTTTAATAATCAACACCCTCCTAGCC-3'